The following is an entry in ClinVar:

NM_001103.4(ACTN2):c.276G>A (p.Met92Ile)

Gene: ACTN2 (actinin alpha 2; plus strand). Cytogenetic location: 1q43.
Variant type: single nucleotide variant.
Coding change: c.276G>A on transcript NM_001103.4 (MANE Select); coding-DNA position 276, G replaced by A.
Protein change: p.Met92Ile; replaces methionine 92 with isoleucine.
Molecular consequence: missense variant. On other transcripts: non-coding transcript variant (1).
Genome position (GRCh38, 1-based): chr1:236,718,928, G>A. VCF-style: chr1-236718928-G-A. GRCh37 (hg19) VCF-style: chr1-236882228-G-A.
Other names: c.276G>A, p.Met92Ile (NM_001278343.2); short protein forms M92I.
Identifiers: ClinVar variation 3363601 (VCV003363601.2).

ClinVar aggregate classification (germline): Uncertain significance. Review status: criteria provided, multiple submitters, no conflicts (2 of 4 stars). 2 submissions from 2 submitters: Uncertain significance (2). Last evaluated 2025-06-18.

Conditions:
Dilated cardiomyopathy 1AA (CMD1AA). Also called: CARDIOMYOPATHY, FAMILIAL HYPERTROPHIC, 23, WITH OR WITHOUT LEFT VENTRICULAR NONCOMPACTION; CARDIOMYOPATHY, DILATED, 1AA, WITH OR WITHOUT LEFT VENTRICULAR NONCOMPACTION; Cardiomyopathy, dilated, 1AA, with or without LVNC. Identifiers: Orphanet 154, MedGen C2677338, MONDO:0012808, OMIM 612158.
Primary familial hypertrophic cardiomyopathy (HCM). Identifiers: Orphanet 99739, MedGen C0949658, MeSH D024741, MONDO:0024573. Inheritance: Various modes of inheritance.

gnomAD v4.1: 1 of 1,614,198 alleles (0.000062%); highest among the groups gnomAD compares: East Asian, 0.0022%; no homozygotes.

Submissions (2):

Labcorp Genetics (formerly Invitae), Labcorp
Classification: Uncertain significance for Primary familial hypertrophic cardiomyopathy; Dilated cardiomyopathy 1AA. Last evaluated: 2025-06-18. Review status: criteria provided, single submitter. Criteria: Invitae Variant Classification Sherloc (09022015). Collection method: clinical testing. Allele origin: germline.
Comment: This sequence change replaces methionine, which is neutral and non-polar, with isoleucine, which is neutral and non-polar, at codon 92 of the ACTN2 protein (p.Met92Ile). This variant is not present in population databases (gnomAD no frequency). This variant has not been reported in the literature in individuals affected with ACTN2-related conditions. ClinVar contains an entry for this variant (Variation ID: 3363601). Invitae Evidence Modeling of protein sequence and biophysical properties (such as structural, functional, and spatial information, amino acid conservation, physicochemical variation, residue mobility, and thermodynamic stability) indicates that this missense variant is expected to disrupt ACTN2 protein function with a positive predictive value of 80%. In summary, the available evidence is currently insufficient to determine the role of this variant in disease. Therefore, it has been classified as a Variant of Uncertain Significance.

GeneDx
Classification: Uncertain significance. Last evaluated: 2023-11-03. Review status: criteria provided, single submitter. Criteria: GeneDx Variant Classification Process June 2021. Collection method: clinical testing. Allele origin: germline. Affected: yes.
Comment: Not observed at significant frequency in large population cohorts (gnomAD); In silico analysis supports that this missense variant has a deleterious effect on protein structure/function; Has not been previously published as pathogenic or benign to our knowledge